The following is an entry in ClinVar:

NM_205861.3(DHDDS):c.857T>C (p.Leu286Pro)

Gene: DHDDS (dehydrodolichyl diphosphate synthase subunit; plus strand). Cytogenetic location: 1p36.11.
Variant type: single nucleotide variant.
Coding change: c.857T>C on transcript NM_205861.3 (MANE Select); coding-DNA position 857, T replaced by C.
Protein change: p.Leu286Pro; replaces leucine 286 with proline.
Molecular consequence: missense variant.
Genome position (GRCh38, 1-based): chr1:26,468,986, T>C. VCF-style: chr1-26468986-T-C. GRCh37 (hg19) VCF-style: chr1-26795477-T-C.
Other names: c.755T>C, p.Leu252Pro (NM_001243564.2); c.740T>C, p.Leu247Pro (NM_001243565.2); c.578T>C, p.Leu193Pro (NM_001319959.2); c.860T>C, p.Leu287Pro (NM_024887.4); short protein forms L287P, L252P, L286P, L193P, L247P.
Identifiers: ClinVar variation 2839221 (VCV002839221.3), dbSNP rs2524815547, ClinGen allele CA339145697.

ClinVar aggregate classification (germline): Uncertain significance (1 of 4 stars; one submission).

Conditions:
Retinitis pigmentosa 59 (RP59). Identifiers: Orphanet 791, MedGen C3151227, MONDO:0013468, OMIM 613861.

Submission:

Labcorp Genetics (formerly Invitae), Labcorp
Classification: Uncertain significance for Retinitis pigmentosa 59. Last evaluated: 2023-02-20. Review status: criteria provided, single submitter. Criteria: Invitae Variant Classification Sherloc (09022015). Collection method: clinical testing. Allele origin: germline.
Comment: This sequence change replaces leucine, which is neutral and non-polar, with proline, which is neutral and non-polar, at codon 287 of the DHDDS protein (p.Leu287Pro). In summary, the available evidence is currently insufficient to determine the role of this variant in disease. Therefore, it has been classified as a Variant of Uncertain Significance. An algorithm developed to predict the effect of missense changes on protein structure and function (PolyPhen-2) suggests that this variant is likely to be tolerated. This variant has not been reported in the literature in individuals affected with DHDDS-related conditions. This variant is not present in population databases (gnomAD no frequency).